The following is an entry in ClinVar:

NM_000393.5(COL5A2):c.971G>A (p.Gly324Asp)

Gene: COL5A2 (collagen type V alpha 2 chain; minus strand). Cytogenetic location: 2q32.2.
Variant type: single nucleotide variant.
Coding change: c.971G>A on transcript NM_000393.5 (MANE Select); coding-DNA position 971, G replaced by A.
Protein change: p.Gly324Asp; replaces glycine 324 with aspartic acid.
Molecular consequence: missense variant.
Genome position (GRCh38, 1-based): chr2:189,079,097, C>T on the plus strand (G>A on the coding strand, the complement: COL5A2 is on the minus strand). VCF-style: chr2-189079097-C-T. GRCh37 (hg19) VCF-style: chr2-189943823-C-T.
Other names: short protein forms G324D.
Identifiers: ClinVar variation 1451305 (VCV001451305.6), dbSNP rs2105632746, ClinGen allele CA349856207.

ClinVar aggregate classification (germline): Pathogenic (1 of 4 stars; one submission).

Conditions:
Ehlers-Danlos syndrome, classic type, 1 (EDSCL1). Also called: EHLERS-DANLOS SYNDROME, GRAVIS TYPE; EHLERS-DANLOS SYNDROME, SEVERE CLASSIC TYPE; Ehlers-Danlos syndrome, type 1; Ehlers-Danlos Syndrome, Classic Type, COL5A1-Related; EDS I. Identifiers: MedGen C0268335, MONDO:0019567, OMIM 130000.

Submission:

Labcorp Genetics (formerly Invitae), Labcorp
Classification: Pathogenic for Ehlers-Danlos syndrome, classic type, 1. Last evaluated: 2022-06-27. Review status: criteria provided, single submitter. Criteria: Invitae Variant Classification Sherloc (09022015). Collection method: clinical testing. Allele origin: germline.
Comment: This sequence change replaces glycine, which is neutral and non-polar, with aspartic acid, which is acidic and polar, at codon 324 of the COL5A2 protein (p.Gly324Asp). This variant is not present in population databases (gnomAD no frequency). This missense change has been observed in individual(s) with COL5A2-related conditions (Invitae). In at least one individual the variant was observed to be de novo. Advanced modeling of protein sequence and biophysical properties (such as structural, functional, and spatial information, amino acid conservation, physicochemical variation, residue mobility, and thermodynamic stability) performed at Invitae indicates that this missense variant is expected to disrupt COL5A2 protein function. For these reasons, this variant has been classified as Pathogenic.